The following is an entry in ClinVar:

ClinVar aggregate classification (germline): Uncertain significance (1 of 4 stars; one submission).

Submission:

Labcorp Genetics (formerly Invitae), Labcorp
Classification: Uncertain significance. Last evaluated: 2023-03-18. Review status: criteria provided, single submitter. Criteria: Invitae Variant Classification Sherloc (09022015). Collection method: clinical testing. Allele origin: germline.
Comment: This sequence change replaces cysteine, which is neutral and slightly polar, with phenylalanine, which is neutral and non-polar, at codon 142 of the MSH3 protein (p.Cys142Phe). This variant is not present in population databases (gnomAD no frequency). This variant has not been reported in the literature in individuals affected with MSH3-related conditions. An algorithm developed to predict the effect of missense changes on protein structure and function (PolyPhen-2) suggests that this variant is likely to be disruptive. In summary, the available evidence is currently insufficient to determine the role of this variant in disease. Therefore, it has been classified as a Variant of Uncertain Significance.

NM_002439.5(MSH3):c.425G>T (p.Cys142Phe)

Gene: MSH3 (mutS homolog 3; plus strand). Cytogenetic location: 5q14.1.
Variant type: single nucleotide variant.
Coding change: c.425G>T on transcript NM_002439.5 (MANE Select); coding-DNA position 425, G replaced by T.
Protein change: p.Cys142Phe; replaces cysteine 142 with phenylalanine.
Molecular consequence: missense variant.
Genome position (GRCh38, 1-based): chr5:80,665,209, G>T. VCF-style: chr5-80665209-G-T. GRCh37 (hg19) VCF-style: chr5-79961028-G-T.
Other names: short protein forms C142F.
Identifiers: ClinVar variation 2846993 (VCV002846993.3), dbSNP rs2546717412, ClinGen allele CA360263340.